The following is an entry in ClinVar:

NM_000181.4(GUSB):c.1484A>G (p.Tyr495Cys)

Genes: GUSB (glucuronidase beta; minus strand), LOC126860055 (MED14-independent group 3 enhancer GRCh37_chr7:65432190-65433389; plus strand). Cytogenetic location: 7q11.21.
Variant type: single nucleotide variant.
Coding change: c.1484A>G on transcript NM_000181.4 (MANE Select); coding-DNA position 1484, A replaced by G.
Protein change: p.Tyr495Cys; replaces tyrosine 495 with cysteine.
Molecular consequence: missense variant. On other transcripts: non-coding transcript variant (1).
Genome position (GRCh38, 1-based): chr7:65,967,900, T>C on the plus strand (A>G on the coding strand, the complement: GUSB is on the minus strand). VCF-style: chr7-65967900-T-C. GRCh37 (hg19) VCF-style: chr7-65432887-T-C.
Other names: c.1046A>G, p.Tyr349Cys (NM_001284290.2); c.914A>G, p.Tyr305Cys (NM_001293104.2); c.827A>G, p.Tyr276Cys (NM_001293105.2); short protein forms Y495C, Y276C, Y305C, Y349C.
Identifiers: ClinVar variation 899 (VCV000000899.7), dbSNP rs121918178, ClinGen allele CA339843.

ClinVar aggregate classification (germline): Uncertain significance. Review status: criteria provided, single submitter (1 of 4 stars). 2 submissions from 2 submitters: Uncertain significance (1). 1 of the submissions does not count toward it. Last evaluated 2022-09-07.

Conditions:
Mucopolysaccharidosis type 7 (MPS7). Also called: MPS VII; BETA-GLUCURONIDASE DEFICIENCY; SLY SYNDROME; GUSB DEFICIENCY. Identifiers: Orphanet 584, MedGen C0085132, MONDO:0009662, OMIM 253220.

Allele frequency attached by ClinVar (database versions not stated): gnomAD exomes below 0.00001.
gnomAD v4.1: 8 of 1,600,242 alleles (0.0005%); highest among the groups gnomAD compares: Non-Finnish European, 0.00051%; no homozygotes.

Submissions (2):

Labcorp Genetics (formerly Invitae), Labcorp
Classification: Uncertain significance for Mucopolysaccharidosis type 7. Last evaluated: 2022-09-07. Review status: criteria provided, single submitter. Criteria: Invitae Variant Classification Sherloc (09022015). Collection method: clinical testing. Allele origin: germline.
Comment: This sequence change replaces tyrosine, which is neutral and polar, with cysteine, which is neutral and slightly polar, at codon 495 of the GUSB protein (p.Tyr495Cys). This variant is present in population databases (rs121918178, gnomAD 0.0009%). This missense change has been observed in individual(s) with mucopolysaccharidosis type VII (PMID: 7633414). ClinVar contains an entry for this variant (Variation ID: 899). Algorithms developed to predict the effect of missense changes on protein structure and function (SIFT, PolyPhen-2, Align-GVGD) all suggest that this variant is likely to be disruptive. Experimental studies have shown that this missense change affects GUSB function (PMID: 7633414). In summary, the available evidence is currently insufficient to determine the role of this variant in disease. Therefore, it has been classified as a Variant of Uncertain Significance.

OMIM
Classification: Pathogenic for MUCOPOLYSACCHARIDOSIS, TYPE VII. Last evaluated: 1995-04-01. Review status: no assertion criteria provided. Collection method: literature only. Allele origin: germline. Not counted in ClinVar's aggregate classification.

Literature cited by the submitters: PubMed 7633414 (cited by Labcorp Genetics (formerly Invitae), Labcorp and OMIM).